The following is an entry in ClinVar:

ClinVar aggregate classification (germline): Pathogenic (1 of 4 stars; one submission).

Conditions:
Retinal dystrophy. Also called: Inherited retinal dystrophy. Identifiers: Orphanet 71862, MedGen C0854723, MeSH D058499, MONDO:0019118, HP:0000556.

Submission:

Ophthalmic Genetics Group, Institute of Molecular and Clinical Ophthalmology Basel
Classification: Pathogenic for Retinal dystrophy. Last evaluated: 2024-05-27. Review status: criteria provided, single submitter. Criteria: ACMG Guidelines, 2015. Collection method: research. Allele origin: germline. Affected: yes. Observed: 10 variant alleles.
Comment: This variant was classified as Pathogenic based on ACMG criteria: PS3_strong, PM2_sup, and PP1_strong

Literature cited by the submitters: PubMed 40180963.

NM_006204.4(PDE6C):c.633G>A (p.Glu211=)

Gene: PDE6C (phosphodiesterase 6C; plus strand). Cytogenetic location: 10q23.33.
Variant type: single nucleotide variant.
Coding change: c.633G>A on transcript NM_006204.4 (MANE Select); coding-DNA position 633, G replaced by A.
Protein change: p.Glu211=; no amino-acid change (glutamic acid 211 retained).
Molecular consequence: synonymous variant.
Genome position (GRCh38, 1-based): chr10:93,620,784, G>A. VCF-style: chr10-93620784-G-A. GRCh37 (hg19) VCF-style: chr10-95380541-G-A.
Other names: NC_000010.10:g.95380541G>A; NP_006195.3:p.(Glu211=).
Identifiers: ClinVar variation 3381816 (VCV003381816.2).